The following is an entry in ClinVar:

ClinVar aggregate classification (germline): Uncertain significance. Review status: criteria provided, multiple submitters, no conflicts (2 of 4 stars). 2 submissions from 2 submitters: Uncertain significance (2). Last evaluated 2026-01-23.

Conditions:
Myofibrillar myopathy 5. Also called: FILAMINOPATHY, AUTOSOMAL DOMINANT; Filaminopathy (type). Identifiers: Orphanet 171445, MedGen C1836050, MONDO:0012289, OMIM 609524.
Hypertrophic cardiomyopathy 26. Also called: Cardiomyopathy, familial hypertrophic, 26. Identifiers: Orphanet 75249, MedGen C4310749, MONDO:0014883, OMIM 617047.
Distal myopathy with posterior leg and anterior hand involvement. Also called: WILLIAMS DISTAL MYOPATHY. Identifiers: Orphanet 63273, MedGen C3279722, MONDO:0013550, OMIM 614065.

Submissions (2):

Dasa
Classification: Uncertain significance for Hypertrophic cardiomyopathy 26. Last evaluated: 2026-01-23. Review status: criteria provided, single submitter. Criteria: DASA Assertion Criteria. Collection method: clinical testing. Allele origin: germline.
Comment: NM_001458.5(FLNC):c.2125G>T (p.Ala709Ser) is a missense variant that results in the substitution of alanine with serine. This variant is rare in population databases. Computational prediction algorithms are consistent with a benign effect. The currently available literature and clinical evidence are not sufficient to establish a definitive association between this variant and the reported condition. Therefore, this variant is classified as a variant of uncertain significance.

Labcorp Genetics (formerly Invitae), Labcorp
Classification: Uncertain significance for Distal myopathy with posterior leg and anterior hand involvement; Myofibrillar myopathy 5; Hypertrophic cardiomyopathy 26. Last evaluated: 2022-07-30. Review status: criteria provided, single submitter. Criteria: Invitae Variant Classification Sherloc (09022015). Collection method: clinical testing. Allele origin: germline.
Comment: This variant is not present in population databases (gnomAD no frequency). Algorithms developed to predict the effect of missense changes on protein structure and function (SIFT, PolyPhen-2, Align-GVGD) all suggest that this variant is likely to be tolerated. In summary, the available evidence is currently insufficient to determine the role of this variant in disease. Therefore, it has been classified as a Variant of Uncertain Significance. This variant has not been reported in the literature in individuals affected with FLNC-related conditions. This sequence change replaces alanine, which is neutral and non-polar, with serine, which is neutral and polar, at codon 709 of the FLNC protein (p.Ala709Ser).

NM_001458.5(FLNC):c.2125G>T (p.Ala709Ser)

Genes: FLNC (filamin C; plus strand), LOC129999273 (ATAC-STARR-seq lymphoblastoid silent region 18616; plus strand). Cytogenetic location: 7q32.1.
Variant type: single nucleotide variant.
Coding change: c.2125G>T on transcript NM_001458.5 (MANE Select); coding-DNA position 2125, G replaced by T.
Protein change: p.Ala709Ser; replaces alanine 709 with serine.
Molecular consequence: missense variant.
Genome position (GRCh38, 1-based): chr7:128,842,234, G>T. VCF-style: chr7-128842234-G-T. GRCh37 (hg19) VCF-style: chr7-128482288-G-T.
Other names: c.2125G>T, p.Ala709Ser (NM_001127487.2); short protein forms A709S.
Identifiers: ClinVar variation 2179000 (VCV002179000.6), dbSNP rs192725607, ClinGen allele CA369228499.